The following is an entry in ClinVar:

ClinVar aggregate classification (germline): Likely benign (1 of 4 stars; one submission).

Conditions:
SLC34A3-related disorder. Also called: SLC34A3-related condition.

Submission:

PreventionGenetics, part of Exact Sciences
Classification: Likely benign for SLC34A3-related condition. Last evaluated: 2024-12-04. Review status: criteria provided, single submitter. Criteria: ACMG Guidelines, 2015. Collection method: clinical testing. Allele origin: germline.
Comment: This variant is classified as likely benign based on ACMG/AMP sequence variant interpretation guidelines (Richards et al. 2015 PMID: 25741868, with internal and published modifications).

NM_001177316.2(SLC34A3):c.560+41C>G

Gene: SLC34A3 (solute carrier family 34 member 3; plus strand). Cytogenetic location: 9q34.3.
Variant type: single nucleotide variant.
Coding change: c.560+41C>G on transcript NM_001177316.2 (MANE Select); 41 bases into the intron after coding-DNA position 560, C replaced by G.
Molecular consequence: intron variant.
Genome position (GRCh38, 1-based): chr9:137,233,156, C>G. VCF-style: chr9-137233156-C-G. GRCh37 (hg19) VCF-style: chr9-140127608-C-G.
Other names: c.560+41C>G (NM_001177317.2, NM_080877.3).
Identifiers: ClinVar variation 4982030 (VCV004982030.1).